The following is an entry in ClinVar:

ClinVar aggregate classification (germline): Uncertain significance. Review status: criteria provided, multiple submitters, no conflicts (2 of 4 stars). 2 submissions from 2 submitters: Uncertain significance (2). Last evaluated 2025-04-25.

Conditions:
Inborn genetic diseases. Identifiers: MedGen C0950123, MeSH D030342.

Allele frequency attached by ClinVar (database versions not stated): TOPMed 0.00004; ESP Exome Variant Server 0.00015; gnomAD exomes below 0.00001; gnomAD 0.00004.
gnomAD v4.1: 9 of 1,612,500 alleles (0.00056%); highest among the groups gnomAD compares: African/African-American, 0.012%; no homozygotes.

Submissions (2):

Ambry Genetics
Classification: Uncertain significance for Inborn genetic diseases. Last evaluated: 2025-04-25. Review status: criteria provided, single submitter. Criteria: Ambry Variant Classification Scheme 2023. Collection method: clinical testing. Allele origin: germline.

Labcorp Genetics (formerly Invitae), Labcorp
Classification: Uncertain significance. Last evaluated: 2022-07-08. Review status: criteria provided, single submitter. Criteria: Invitae Variant Classification Sherloc (09022015). Collection method: clinical testing. Allele origin: germline.
Comment: This sequence change replaces threonine, which is neutral and polar, with alanine, which is neutral and non-polar, at codon 352 of the TYRP1 protein (p.Thr352Ala). This variant is present in population databases (rs369807922, gnomAD 0.004%). This variant has not been reported in the literature in individuals affected with TYRP1-related conditions. Algorithms developed to predict the effect of missense changes on protein structure and function (SIFT, PolyPhen-2, Align-GVGD) all suggest that this variant is likely to be tolerated. In summary, the available evidence is currently insufficient to determine the role of this variant in disease. Therefore, it has been classified as a Variant of Uncertain Significance.

NM_000550.3(TYRP1):c.1054A>G (p.Thr352Ala)

Genes: LURAP1L-AS1 (LURAP1L antisense RNA 1; minus strand), TYRP1 (tyrosinase related protein 1; plus strand). Cytogenetic location: 9p23.
Variant type: single nucleotide variant.
Coding change: c.1054A>G on transcript NM_000550.3 (MANE Select); coding-DNA position 1054, A replaced by G.
Protein change: p.Thr352Ala; replaces threonine 352 with alanine.
Molecular consequence: missense variant.
Genome position (GRCh38, 1-based): chr9:12,702,411, A>G. VCF-style: chr9-12702411-A-G. GRCh37 (hg19) VCF-style: chr9-12702411-A-G.
Other names: c.1054A>G (NM_000550.2); short protein forms T352A.
Identifiers: ClinVar variation 1953227 (VCV001953227.3), dbSNP rs369807922, ClinGen allele CA189312025.